The following is an entry in ClinVar:

NM_000501.4(ELN):c.1747+85C>T

Genes: ELN (elastin; plus strand), ELN-AS1 (ELN antisense RNA 1; minus strand). Cytogenetic location: 7q11.23.
Variant type: single nucleotide variant.
Coding change: c.1747+85C>T on transcript NM_000501.4 (MANE Select); 85 bases into the intron after coding-DNA position 1747, C replaced by T.
Molecular consequence: intron variant. On other transcripts: missense variant (1).
Genome position (GRCh38, 1-based): chr7:74,060,586, C>T. VCF-style: chr7-74060586-C-T. GRCh37 (hg19) VCF-style: chr7-73474916-C-T.
Other names: c.1919C>T, p.Pro640Leu (NM_001278939.2); c.1762+85C>T (NM_001081754.3); c.1705+85C>T (NM_001081753.3); c.1765+85C>T (NM_001278915.2); c.1747+85C>T (NM_001278912.2); c.1690+85C>T (NM_001081755.3); c.1603+85C>T (NM_001278916.2); c.1504+85C>T (NM_001278913.2); and 4 more; short protein forms P640L.
Identifiers: ClinVar variation 2967786 (VCV002967786.3), dbSNP rs782601175, ClinGen allele CA4293191.

ClinVar aggregate classification (germline): Uncertain significance (1 of 4 stars; one submission).

Conditions:
Supravalvar aortic stenosis (SVAS). Also called: Supravalvar aortic stenosis, Eisenberg type. Identifiers: Orphanet 3193, MedGen C0003499, MONDO:0008504, OMIM 185500, HP:0004381.

Allele frequency attached by ClinVar (database versions not stated): ExAC 0.00001; gnomAD 0.00001.
gnomAD v4.1: 11 of 1,602,452 alleles (0.00069%); highest among the groups gnomAD compares: African/African-American, 0.0013%; no homozygotes.

Submission:

Labcorp Genetics (formerly Invitae), Labcorp
Classification: Uncertain significance for Supravalvar aortic stenosis. Last evaluated: 2023-10-29. Review status: criteria provided, single submitter. Criteria: Invitae Variant Classification Sherloc (09022015). Collection method: clinical testing. Allele origin: germline.
Comment: This sequence change replaces proline, which is neutral and non-polar, with leucine, which is neutral and non-polar, at codon 640 of the ELN protein (p.Pro640Leu). This variant is present in population databases (rs782601175, gnomAD 0.004%). This variant has not been reported in the literature in individuals affected with ELN-related conditions. Experimental studies and prediction algorithms are not available or were not evaluated, and the functional significance of this variant is currently unknown. In summary, the available evidence is currently insufficient to determine the role of this variant in disease. Therefore, it has been classified as a Variant of Uncertain Significance.